The following is an entry in ClinVar:

ClinVar aggregate classification (germline): Uncertain significance (1 of 4 stars; one submission).

Submission:

GeneDx
Classification: Uncertain significance. Last evaluated: 2026-03-16. Review status: criteria provided, single submitter. Criteria: GeneDx Variant Classification Process June 2021. Collection method: clinical testing. Allele origin: germline.
Comment: Not observed at significant frequency in large population cohorts (gnomAD); In-frame deletion of 6 amino acid(s) in a non-repeat region; In silico analysis supports a deleterious effect on protein structure/function; Has not been previously published as pathogenic or benign to our knowledge

NM_001761.3(CCNF):c.1030_1047del (p.Arg344_Arg349del)

Gene: CCNF (cyclin F; plus strand). Cytogenetic location: 16p13.3.
Variant type: Deletion.
Coding change: c.1030_1047del on transcript NM_001761.3 (MANE Select); coding-DNA positions 1030 to 1047, 18 bases deleted (AGGAGGCTGGTGCCGCGG).
Protein change: p.Arg344_Arg349del.
Molecular consequence: inframe deletion.
Genome position (GRCh38, 1-based): chr16:2,445,558-2,445,575, AGGAGGCTGGTGCCGCGG deleted; deleting any 18 consecutive bases within chr16:2,445,554-2,445,575 gives the same sequence; the c. name uses the placement nearest the transcript's 3' end. VCF-style (leftmost placement, unchanged base first): chr16-2445553-TGCGGAGGAGGCTGGTGCC-T. GRCh37 (hg19) VCF-style: chr16-2495554-TGCGGAGGAGGCTGGTGCC-T.
Other names: c.106_123del, p.Arg36_Arg41del (NM_001323538.2).
Identifiers: ClinVar variation 5009136 (VCV005009136.1).